The following is an entry in ClinVar:

NM_138636.5(TLR8):c.1715G>T (p.Gly572Val)

Genes: TLR8 (toll like receptor 8; plus strand), TLR8-AS1 (TLR8 antisense RNA 1; minus strand). Cytogenetic location: Xp22.2.
Variant type: single nucleotide variant.
Coding change: c.1715G>T on transcript NM_138636.5 (MANE Select); coding-DNA position 1715, G replaced by T.
Protein change: p.Gly572Val; replaces glycine 572 with valine.
Molecular consequence: missense variant.
Genome position (GRCh38, 1-based): chrX:12,920,755, G>T. VCF-style: chrX-12920755-G-T. GRCh37 (hg19) VCF-style: chrX-12938874-G-T.
Other names: c.1769G>T, p.Gly590Val (NM_016610.4); short protein forms G572V, G590V.
Identifiers: ClinVar variation 1339649 (VCV001339649.3), dbSNP rs1385657144, ClinGen allele CA412416479.

ClinVar aggregate classification (germline): Pathogenic. Review status: criteria provided, single submitter (1 of 4 stars). 2 submissions from 2 submitters: Pathogenic (1). 1 of the submissions does not count toward it. Last evaluated 2022-02-08.

Conditions:
Immunodeficiency 98 with autoinflammation, X-linked (IMD98). Also called: INFLAMMATION, NEUTROPENIA, BONE MARROW FAILURE, AND LYMPHOPROLIFERATION CAUSED BY TLR8. Identifiers: Orphanet 675628, MedGen C5676883, MONDO:0024777, OMIM 301078.
Autoimmune hemolytic anemia. Also called: Acquired autoimmune hemolytic anemia; Idiopathic autoimmune hemolytic anemia; Familial auto-immune hemolytic anemia (subtype); Immuno-hemolytic anemia. Identifiers: Orphanet 98375, MedGen C0002880, MONDO:0020108, OMIM 205700, HP:0001890.
Systemic autoinflammation. Identifiers: MedGen C4015070, HP:0033428.

Submissions (2):

Genomics Facility, Ludwig-Maximilians-Universität München
Classification: Pathogenic for Autoimmune hemolytic anemia; Systemic autoinflammation. Last evaluated: 2022-02-08. Review status: criteria provided, single submitter. Criteria: ACMG Guidelines, 2015. Collection method: clinical testing. Allele origin: maternal. Inheritance: X-linked inheritance. Affected: yes. Observed: 1 variant allele.
Comment: The variant p.Gly572Val in TLR8 (Toll Like Receptor 8) was recently described as a loss-of-function variant for TLR8. Loss-of-function variants in TLR8 lead to X-linked recessive "severe autoimmune hemolytic anemia and autoinflammation" (Fejtkova et al. 2022; PMID: 34981838). Interestingly the variant p.Gly572Asp, at the same position but with negatively charged aspartate, is a gain-of-function variant for TLR8 in patients with X-linked recessive "immunodeficiency and bone marrow failure syndrome" (Aluri et al. 2021; PMID: 33512449). According to Fejtkova (2022), patients with “loss-of-function” in TLR8 are characterized by severe autoimmune anemia, which worsens due to infection, as well as autoinflammation in the form of fever, enteritis, arthritis and cerebral vasculitis. "Gain-of-function" variants are described according to Aluri (2021) with neutropenia, infections, lymphoproliferation, humoral immunodeficiency and, in some cases, bone marrow failure. The allele frequency database GnomAD (version v2.1.1), with mainly healthy subjects, does not yet list any heterozygous, homozygous or hemizyotic carriers of the variant p.Gly572Val. The protein encoded by TLR8, also called CD288, has 1059 amino acids and is a Toll-like receptor. This class of receptors functions as part of the innate immune response as so-called pattern-recognition receptors, i.e. they recognize structures of pathogens, such as specific RNA structures, which are not otherwise found in human cells. For example, it has been described for TLR8, an endosomal receptor, that it recognizes single-stranded RNA (ssRNA) of certain viruses and can support a corresponding immune response. The importance of the change in p.Gly572Val for the protein is predicted by the computer algorithms PolyPhen and SIFT as probably_damaging (0.999) and deleterious (0), respectively. The CADD score is 25.8 and thus an indication of a harmful change in the protein. This supports the clinical assessment by Fejtkova et al. 2022 as a loss-of-function variant. It seems plausible that the variant identified in our patient, p.Gly572Val, should have more of a destabilizing effect on the TLR8 dimer, since valine is a non-polar amino acid and therefore a loss-of -function is more likely. The variant in TLR8 is therefore the cause of our patient`s disease, and the variant is classified as pathogenic.

OMIM
Classification: Pathogenic for IMMUNODEFICIENCY 98 WITH AUTOINFLAMMATION, X-LINKED. Last evaluated: 2022-05-04. Review status: no assertion criteria provided. Collection method: literature only. Allele origin: germline. Not counted in ClinVar's aggregate classification.

Literature cited by the submitters: PubMed 34981838 (cited by Genomics Facility, Ludwig-Maximilians-Universität München and OMIM); PubMed 33512449 (cited by Genomics Facility, Ludwig-Maximilians-Universität München).